The following is an entry in ClinVar:

ClinVar aggregate classification (germline): Uncertain significance. Review status: criteria provided, multiple submitters, no conflicts (2 of 4 stars). 2 submissions from 2 submitters: Uncertain significance (2). Last evaluated 2021-10-07.

Conditions:
Autosomal recessive early-onset Parkinson disease 6 (PARK6). Also called: PINK1-Related Parkinson Disease; PARKINSON DISEASE 6, EARLY-ONSET; PINK1 Type of Young-Onset Parkinson Disease; PARKINSON DISEASE 6, MODIFIER OF. Identifiers: Orphanet 2828, MedGen C1853833, MONDO:0011613, OMIM 605909.

Allele frequency attached by ClinVar (database versions not stated): ExAC 0.00004; gnomAD 0.00004 and 0.00005; gnomAD exomes 0.00004 and 0.00015; TOPMed 0.00005.

Submissions (2):

Fulgent Genetics
Classification: Uncertain significance for Autosomal recessive early-onset Parkinson disease 6. Last evaluated: 2021-10-07. Review status: criteria provided, single submitter. Criteria: ACMG Guidelines, 2015. Collection method: clinical testing. Allele origin: unknown.

ARUP Laboratories, Molecular Genetics and Genomics, ARUP Laboratories
Classification: Uncertain significance. Last evaluated: 2017-09-29. Review status: criteria provided, single submitter. Criteria: ARUP Molecular Germline Variant Investigation Process. Collection method: clinical testing. Allele origin: germline.
Comment: The p.Pro289Thr variant (rs777088052) has not been reported in the medical literature, is not listed in gene-specific variant databases, nor has it been previously identified in our laboratory. The p.Pro289Thr variant is listed in the Genome Aggregation Database (gnomAD) browser with an overall allele frequency of 0.0043% (identified in 12 out of 277,230 chromosomes). The proline at codon 289 is highly conserved considering 12 species up to C. elegans (Alamut software v2.10.0), and computational analyses suggest that this variant affects the structure/function of the PINK1 protein (SIFT: damaging, PolyPhen2: probably damaging, MutationTaster: disease causing). Based on the available information, the clinical significance of the p.Pro289Thr variant cannot be determined with certainty.

NM_032409.3(PINK1):c.865C>A (p.Pro289Thr)

Genes: PINK1 (PTEN induced kinase 1; plus strand), PINK1-AS (PINK1 antisense RNA; minus strand). Cytogenetic location: 1p36.12.
Variant type: single nucleotide variant.
Coding change: c.865C>A on transcript NM_032409.3 (MANE Select); coding-DNA position 865, C replaced by A.
Protein change: p.Pro289Thr; replaces proline 289 with threonine.
Molecular consequence: missense variant.
Genome position (GRCh38, 1-based): chr1:20,644,578, C>A. VCF-style: chr1-20644578-C-A. GRCh37 (hg19) VCF-style: chr1-20971071-C-A.
Other names: short protein forms P289T.
Identifiers: ClinVar variation 618793 (VCV000618793.10), dbSNP rs777088052, ClinGen allele CA660564.